The following is an entry in ClinVar:

NM_000051.4(ATM):c.3910A>G (p.Arg1304Gly)

Gene: ATM (ATM serine/threonine kinase; plus strand). Cytogenetic location: 11q22.3.
Variant type: single nucleotide variant.
Coding change: c.3910A>G on transcript NM_000051.4 (MANE Select); coding-DNA position 3910, A replaced by G.
Protein change: p.Arg1304Gly; replaces arginine 1304 with glycine.
Molecular consequence: missense variant.
Genome position (GRCh38, 1-based): chr11:108,284,390, A>G. VCF-style: chr11-108284390-A-G. GRCh37 (hg19) VCF-style: chr11-108155117-A-G.
Other names: c.3910A>G, p.Arg1304Gly (NM_001351834.2); short protein forms R1304G.
Identifiers: ClinVar variation 582269 (VCV000582269.11), dbSNP rs1565447611, ClinGen allele CA382525702.

ClinVar aggregate classification (germline): Conflicting classifications of pathogenicity. Review status: criteria provided, conflicting classifications (1 of 4 stars). 2 submissions from 2 submitters: Uncertain significance (1); Likely benign (1). Last evaluated 2023-01-18.

Conditions:
Hereditary cancer-predisposing syndrome. Also called: Neoplastic Syndromes, Hereditary; Hereditary Cancer Syndrome; Tumor predisposition; Hereditary neoplastic syndrome. Identifiers: Orphanet 140162, MedGen C0027672, MeSH D009386, MONDO:0015356.
Ataxia-telangiectasia syndrome (AT). Also called: Ataxia-telangiectasia, complementation group D; AT, COMPLEMENTATION GROUP C; Ataxia-telangiectasia, complementation group E; Cerebello-oculocutaneous telangiectasia; Immunodeficiency with ataxia telangiectasia; ATAXIA-TELANGIECTASIA, COMPLEMENTATION GROUP A. Identifiers: Orphanet 100, MedGen C0004135, MONDO:0008840, OMIM 208900.

gnomAD v4.1: 1 of 1,614,008 alleles (0.000062%); highest among the groups gnomAD compares: Non-Finnish European, 0.000085%; no homozygotes.

Submissions (2):

Ambry Genetics
Classification: Likely benign for Hereditary cancer-predisposing syndrome. Last evaluated: 2023-01-18. Review status: criteria provided, single submitter. Criteria: Ambry Variant Classification Scheme 2023. Collection method: clinical testing. Allele origin: germline.

Labcorp Genetics (formerly Invitae), Labcorp
Classification: Uncertain significance for Ataxia-telangiectasia syndrome. Last evaluated: 2018-07-02. Review status: criteria provided, single submitter. Criteria: Invitae Variant Classification Sherloc (09022015). Collection method: clinical testing. Allele origin: germline.
Comment: In summary, the available evidence is currently insufficient to determine the role of this variant in disease. Therefore, it has been classified as a Variant of Uncertain Significance. Algorithms developed to predict the effect of missense changes on protein structure and function output the following: SIFT: "Tolerated"; PolyPhen-2: "Benign"; Align-GVGD: "Class C0". The glycine amino acid residue is found in multiple mammalian species, suggesting that this missense change does not adversely affect protein function. These predictions have not been confirmed by published functional studies and their clinical significance is uncertain. This variant has not been reported in the literature in individuals with ATM-related disease. This variant is not present in population databases (ExAC no frequency). This sequence change replaces arginine with glycine at codon 1304 of the ATM protein (p.Arg1304Gly). The arginine residue is weakly conserved and there is a moderate physicochemical difference between arginine and glycine.